The following is an entry in ClinVar:

ClinVar aggregate classification (germline): Uncertain significance (1 of 4 stars; one submission).

Submission:

GeneDx
Classification: Uncertain significance. Last evaluated: 2024-07-15. Review status: criteria provided, single submitter. Criteria: GeneDx Variant Classification Process June 2021. Collection method: clinical testing. Allele origin: germline. Affected: yes.
Comment: Not observed at significant frequency in large population cohorts (gnomAD); In silico analysis indicates that this missense variant does not alter protein structure/function; Has not been previously published as pathogenic or benign to our knowledge

NM_001375524.1(TRRAP):c.5866A>G (p.Ile1956Val)

Gene: TRRAP (transformation/transcription domain associated protein; plus strand). Cytogenetic location: 7q22.1.
Variant type: single nucleotide variant.
Coding change: c.5866A>G on transcript NM_001375524.1 (MANE Select); coding-DNA position 5866, A replaced by G.
Protein change: p.Ile1956Val; replaces isoleucine 1956 with valine.
Molecular consequence: missense variant.
Genome position (GRCh38, 1-based): chr7:98,955,233, A>G. VCF-style: chr7-98955233-A-G. GRCh37 (hg19) VCF-style: chr7-98552856-A-G.
Other names: c.5845A>G, p.Ile1949Val (NM_001244580.2); c.5791A>G, p.Ile1931Val (NM_003496.4); short protein forms I1931V, I1949V, I1956V.
Identifiers: ClinVar variation 3573724 (VCV003573724.1).